The following is an entry in ClinVar:

ClinVar aggregate classification (germline): Uncertain significance (1 of 4 stars; one submission).

gnomAD v4.1: 14 of 1,614,132 alleles (0.00087%); highest among the groups gnomAD compares: Non-Finnish European, 0.0012%; no homozygotes.

Submission:

Mayo Clinic Laboratories, Mayo Clinic
Classification: Uncertain significance. Last evaluated: 2025-10-03. Review status: criteria provided, single submitter. Criteria: ACMG Guidelines, 2015. Collection method: clinical testing. Allele origin: germline. Observed: 1 variant allele.
Comment: PM2_supporting

NM_001267550.2(TTN):c.4781A>T (p.Asp1594Val)

Genes: TTN (titin; minus strand), LOC101927055 (uncharacterized LOC101927055; plus strand). Cytogenetic location: 2q31.2.
Variant type: single nucleotide variant.
Coding change: c.4781A>T on transcript NM_001267550.2 (MANE Select); coding-DNA position 4781, A replaced by T.
Protein change: p.Asp1594Val; replaces aspartic acid 1594 with valine.
Molecular consequence: missense variant. On other transcripts: non-coding transcript variant (1).
Genome position (GRCh38, 1-based): chr2:178,777,182, T>A on the plus strand (A>T on the coding strand, the complement: TTN is on the minus strand). VCF-style: chr2-178777182-T-A. GRCh37 (hg19) VCF-style: chr2-179641909-T-A.
Other names: p.Asp1594Val; c.4781A>T, p.Asp1594Val (NM_001256850.1, NM_133378.4, NM_133379.5); c.4643A>T, p.Asp1548Val (NM_003319.4, NM_133432.3, NM_133437.4); short protein forms D1548V, D1594V.
Identifiers: ClinVar variation 4540770 (VCV004540770.1).